The following is an entry in ClinVar:

ClinVar aggregate classification (germline): Conflicting classifications of pathogenicity. Review status: criteria provided, conflicting classifications (1 of 4 stars). 3 submissions from 3 submitters: Uncertain significance (2); Likely benign (1). Last evaluated 2025-11-10.

Conditions:
Inborn genetic diseases. Identifiers: MedGen C0950123, MeSH D030342.

Allele frequency attached by ClinVar (database versions not stated): gnomAD 0.00007; TOPMed 0.00007; gnomAD exomes 0.00010; ExAC 0.00011; ESP Exome Variant Server 0.00015.
gnomAD v4.1: 231 of 1,608,406 alleles (0.014%); highest among the groups gnomAD compares: Non-Finnish European, 0.017%; no homozygotes.

Submissions (3):

Labcorp Genetics (formerly Invitae), Labcorp
Classification: Uncertain significance. Last evaluated: 2025-11-10. Review status: criteria provided, single submitter. Criteria: Invitae Variant Classification Sherloc (09022015). Collection method: clinical testing. Allele origin: germline.
Comment: This sequence change replaces arginine, which is basic and polar, with histidine, which is basic and polar, at codon 83 of the TYROBP protein (p.Arg83His). This variant is present in population databases (rs370767403, gnomAD 0.02%). This variant has not been reported in the literature in individuals affected with TYROBP-related conditions. ClinVar contains an entry for this variant (Variation ID: 1429130). An algorithm developed to predict the effect of missense changes on protein structure and function outputs the following: PolyPhen-2: "Benign". The histidine amino acid residue is found in multiple mammalian species, which suggests that this missense change does not adversely affect protein function. In summary, the available evidence is currently insufficient to determine the role of this variant in disease. Therefore, it has been classified as a Variant of Uncertain Significance.

Blueprint Genetics
Classification: Likely benign. Last evaluated: 2024-09-18. Review status: criteria provided, single submitter. Criteria: ACMG Guidelines, 2015. Collection method: clinical testing. Allele origin: germline.

Ambry Genetics
Classification: Uncertain significance for Inborn genetic diseases. Last evaluated: 2022-05-10. Review status: criteria provided, single submitter. Criteria: Ambry Variant Classification Scheme 2023. Collection method: clinical testing. Allele origin: germline.

NM_003332.4(TYROBP):c.248G>A (p.Arg83His)

Gene: TYROBP (transmembrane immune signaling adaptor TYROBP; minus strand). Cytogenetic location: 19q13.12.
Variant type: single nucleotide variant.
Coding change: c.248G>A on transcript NM_003332.4 (MANE Select); coding-DNA position 248, G replaced by A.
Protein change: p.Arg83His; replaces arginine 83 with histidine.
Molecular consequence: missense variant. On other transcripts: non-coding transcript variant (1).
Genome position (GRCh38, 1-based): chr19:35,907,246, C>T on the plus strand (G>A on the coding strand, the complement: TYROBP is on the minus strand). VCF-style: chr19-35907246-C-T. GRCh37 (hg19) VCF-style: chr19-36398148-C-T.
Other names: c.215G>A, p.Arg72His (NM_001173514.2); c.212G>A, p.Arg71His (NM_001173515.2); c.245G>A, p.Arg82His (NM_198125.3); c.248G>A (NM_003332.3); short protein forms R72H, R82H, R83H, R71H.
Identifiers: ClinVar variation 1429130 (VCV001429130.7), dbSNP rs370767403, ClinGen allele CA9393032.